The following is an entry in ClinVar:

NM_002637.4(PHKA1):c.730T>G (p.Ser244Ala)

Gene: PHKA1 (phosphorylase kinase regulatory subunit alpha 1; minus strand). Cytogenetic location: Xq13.1.
Variant type: single nucleotide variant.
Coding change: c.730T>G on transcript NM_002637.4 (MANE Select); coding-DNA position 730, T replaced by G.
Protein change: p.Ser244Ala; replaces serine 244 with alanine.
Molecular consequence: missense variant.
Genome position (GRCh38, 1-based): chrX:72,666,285, A>C on the plus strand (T>G on the coding strand, the complement: PHKA1 is on the minus strand). VCF-style: chrX-72666285-A-C. GRCh37 (hg19) VCF-style: chrX-71886135-A-C.
Other names: c.730T>G, p.Ser244Ala (NM_001122670.2, NM_001172436.2, NM_001431068.1); short protein forms S244A.
Identifiers: ClinVar variation 3771945 (VCV003771945.13).

ClinVar aggregate classification (germline): Uncertain significance (1 of 4 stars; one submission).

Submission:

CeGaT Center for Human Genetics Tuebingen
Classification: Uncertain significance. Last evaluated: 2025-01-01. Review status: criteria provided, single submitter. Criteria: CeGaT Center For Human Genetics Tuebingen Variant Classification Criteria Version 2. Collection method: clinical testing. Allele origin: germline. Affected: yes. Observed: 1 variant allele.
Comment: PHKA1: PM2